The following is an entry in ClinVar:

NM_001848.3(COL6A1):c.2066+15C>A

Gene: COL6A1 (collagen type VI alpha 1 chain; plus strand). Cytogenetic location: 21q22.3.
Variant type: single nucleotide variant.
Coding change: c.2066+15C>A on transcript NM_001848.3 (MANE Select); 15 bases into the intron after coding-DNA position 2066, C replaced by A.
Molecular consequence: intron variant.
Genome position (GRCh38, 1-based): chr21:46,002,085, C>A. VCF-style: chr21-46002085-C-A. GRCh37 (hg19) VCF-style: chr21-47421999-C-A.
Identifiers: ClinVar variation 511892 (VCV000511892.6), dbSNP rs201407082, ClinGen allele CA10070742.

ClinVar aggregate classification (germline): Likely benign. Review status: criteria provided, multiple submitters, no conflicts (2 of 4 stars). 2 submissions from 2 submitters: Likely benign (2). Last evaluated 2025-03-04.

Conditions:
Bethlem myopathy 1A. Also called: MYOPATHY, BENIGN CONGENITAL, WITH CONTRACTURES; Bethlem myopathy 1; Bethlem Muscular Dystrophy. Identifiers: Orphanet 610, MedGen CN029274, MONDO:0024530, OMIM 158810.

Allele frequency attached by ClinVar (database versions not stated): 1000 Genomes Project 30x 0.00031; 1000 Genomes Project 0.00040.
gnomAD v4.1: 13 of 1,603,848 alleles (0.00081%); highest among the groups gnomAD compares: South Asian, 0.012%; no homozygotes.

Submissions (2):

Labcorp Genetics (formerly Invitae), Labcorp
Classification: Likely benign for Bethlem myopathy 1A. Last evaluated: 2025-03-04. Review status: criteria provided, single submitter. Criteria: Invitae Variant Classification Sherloc (09022015). Collection method: clinical testing. Allele origin: germline.

GeneDx
Classification: Likely benign. Last evaluated: 2017-09-07. Review status: criteria provided, single submitter. Criteria: GeneDx Variant Classification (06012015). Collection method: clinical testing. Allele origin: germline. Affected: yes.
Comment: This variant is considered likely benign or benign based on one or more of the following criteria: it is a conservative change, it occurs at a poorly conserved position in the protein, it is predicted to be benign by multiple in silico algorithms, and/or has population frequency not consistent with disease.